The following is an entry in ClinVar:

NM_001376.5(DYNC1H1):c.521A>T (p.Asp174Val)

Gene: DYNC1H1 (dynein cytoplasmic 1 heavy chain 1; plus strand). Cytogenetic location: 14q32.31.
Variant type: single nucleotide variant.
Coding change: c.521A>T on transcript NM_001376.5 (MANE Select); coding-DNA position 521, A replaced by T.
Protein change: p.Asp174Val; replaces aspartic acid 174 with valine.
Molecular consequence: missense variant.
Genome position (GRCh38, 1-based): chr14:101,979,721, A>T. VCF-style: chr14-101979721-A-T. GRCh37 (hg19) VCF-style: chr14-102446058-A-T.
Other names: short protein forms D174V.
Identifiers: ClinVar variation 661690 (VCV000661690.11), dbSNP rs1595597551, ClinGen allele CA391008011.

ClinVar aggregate classification (germline): Uncertain significance. Review status: criteria provided, multiple submitters, no conflicts (2 of 4 stars). 2 submissions from 2 submitters: Uncertain significance (2). Last evaluated 2021-08-06.

Conditions:
Charcot-Marie-Tooth disease axonal type 2O. Also called: CHARCOT-MARIE-TOOTH NEUROPATHY, AXONAL, TYPE 2O; CHARCOT-MARIE-TOOTH DISEASE, AXONAL, AUTOSOMAL DOMINANT, TYPE 2O; Charcot-Marie-Tooth Neuropathy Type 2O; Charcot-Marie-Tooth disease, axonal, type 20. Identifiers: Orphanet 284232, MedGen C3280220, MONDO:0013644, OMIM 614228.
Cortical dysplasia, complex, with other brain malformations 13. Also called: Intellectual disability, autosomal dominant 13. Identifiers: MedGen C3281202, MONDO:0013805, OMIM 614563.

Submissions (2):

Labcorp Genetics (formerly Invitae), Labcorp
Classification: Uncertain significance for Charcot-Marie-Tooth disease axonal type 2O. Last evaluated: 2021-08-06. Review status: criteria provided, single submitter. Criteria: Invitae Variant Classification Sherloc (09022015). Collection method: clinical testing. Allele origin: germline.
Comment: In summary, the available evidence is currently insufficient to determine the role of this variant in disease. Therefore, it has been classified as a Variant of Uncertain Significance. This sequence change replaces aspartic acid with valine at codon 174 of the DYNC1H1 protein (p.Asp174Val). The aspartic acid residue is highly conserved and there is a large physicochemical difference between aspartic acid and valine. This variant is not present in population databases (ExAC no frequency). This variant has not been reported in the literature in individuals with DYNC1H1-related conditions. Algorithms developed to predict the effect of missense changes on protein structure and function are either unavailable or do not agree on the potential impact of this missense change (SIFT: "Deleterious"; PolyPhen-2: "Possibly Damaging"; Align-GVGD: "Class C0"). Algorithms developed to predict the effect of sequence changes on RNA splicing suggest that this variant may create or strengthen a splice site, but this prediction has not been confirmed by published transcriptional studies.

Knight Diagnostic Laboratories, Oregon Health and Sciences University
Classification: Uncertain significance for Mental retardation, autosomal dominant 13. Last evaluated: 2019-06-19. Review status: criteria provided, single submitter. Criteria: ACMG Guidelines, 2015. Collection method: clinical testing. Allele origin: germline. Observed: 1 variant allele.